The following is an entry in ClinVar:

ClinVar aggregate classification (germline): Uncertain significance (1 of 4 stars; one submission).

Submission:

GeneDx
Classification: Uncertain significance. Last evaluated: 2026-04-21. Review status: criteria provided, single submitter. Criteria: GeneDx Variant Classification Process June 2021. Collection method: clinical testing. Allele origin: germline.
Comment: Not observed at significant frequency in large population cohorts (gnomAD); In silico analysis supports that this missense variant has a deleterious effect on protein structure/function; Has not been previously published as pathogenic or benign to our knowledge

NM_181552.4(CUX1):c.872A>T (p.Glu291Val)

Gene: CUX1 (cut like homeobox 1; plus strand). Cytogenetic location: 7q22.1.
Variant type: single nucleotide variant.
Coding change: c.872A>T on transcript NM_181552.4 (MANE Select); coding-DNA position 872, A replaced by T.
Protein change: p.Glu291Val; replaces glutamic acid 291 with valine.
Molecular consequence: missense variant.
Genome position (GRCh38, 1-based): chr7:102,178,512, A>T. VCF-style: chr7-102178512-A-T. GRCh37 (hg19) VCF-style: chr7-101821792-A-T.
Other names: c.905A>T, p.Glu302Val (NM_001202543.2, NM_001913.5); c.857A>T, p.Glu286Val (NM_001202544.3); c.767A>T, p.Glu256Val (NM_001202545.3); c.788A>T, p.Glu263Val (NM_001202546.3); c.899A>T, p.Glu300Val (NM_181500.4); short protein forms E256V, E263V, E286V, E291V, E300V, E302V.
Identifiers: ClinVar variation 5037522 (VCV005037522.1).
Genomic context (GRCh38, chr7:102,178,512, plus strand): 5'-TCTTTTCTCCTCCCCAGGAGCAGGCCATAGAGGTGCTGACCCGCTCCAGCCTAGAAGTTG[A>T]GTTGGCCGCCAAGGAGCGGGAGATCGCACAGCTGGTGGAGGACGTGCAGAGACTCCAGGC-3'
Protein context (NP_853530.2, residues 281-301): EVLTRSSLEV[Glu291Val]LAAKEREIAQ